The following is an entry in ClinVar:

ClinVar aggregate classification (germline): Conflicting classifications of pathogenicity. Review status: criteria provided, conflicting classifications (1 of 4 stars). 4 submissions from 4 submitters: Uncertain significance (1); Likely benign (3). Last evaluated 2025-01-19.

Conditions:
Early-infantile DEE. Also called: Ohtahara syndrome; Early infantile epileptic encephalopathy; Early infantile epileptic encephalopathy with suppression bursts. Identifiers: Orphanet 1934, MedGen C0393706, MONDO:0800491.

Allele frequency attached by ClinVar (database versions not stated): TOPMed 0.00001; gnomAD exomes below 0.00001 and 0.00001; ExAC 0.00001; gnomAD 0.00001.
gnomAD v4.1: 20 of 1,601,908 alleles (0.0012%); highest among the groups gnomAD compares: Non-Finnish European, 0.0017%; no homozygotes.

Submissions (4):

Labcorp Genetics (formerly Invitae), Labcorp
Classification: Likely benign for Early-infantile DEE. Last evaluated: 2025-01-19. Review status: criteria provided, single submitter. Criteria: Invitae Variant Classification Sherloc (09022015). Collection method: clinical testing. Allele origin: germline.

Blueprint Genetics
Classification: Likely benign. Last evaluated: 2023-02-22. Review status: criteria provided, single submitter. Criteria: ACMG Guidelines, 2015. Collection method: clinical testing. Allele origin: germline.

CeGaT Center for Human Genetics Tuebingen
Classification: Likely benign. Last evaluated: 2022-06-01. Review status: criteria provided, single submitter. Criteria: CeGaT Center For Human Genetics Tuebingen Variant Classification Criteria Version 2. Collection method: clinical testing. Allele origin: germline. Affected: yes. Observed: 1 variant allele.
Comment: KCNQ2: BP4, BP7

Revvity Omics, Revvity
Classification: Uncertain significance. Last evaluated: 2019-06-10. Review status: criteria provided, single submitter. Criteria: ACMG Guidelines, 2015. Collection method: clinical testing. Allele origin: germline.

NM_172107.4(KCNQ2):c.2019G>A (p.Pro673=)

Gene: KCNQ2 (potassium voltage-gated channel subfamily Q member 2; minus strand). Cytogenetic location: 20q13.33.
Variant type: single nucleotide variant.
Coding change: c.2019G>A on transcript NM_172107.4 (MANE Select); coding-DNA position 2019, G replaced by A.
Protein change: p.Pro673=; no amino-acid change (proline 673 retained).
Molecular consequence: synonymous variant.
Genome position (GRCh38, 1-based): chr20:63,407,244, C>T on the plus strand (G>A on the coding strand, the complement: KCNQ2 is on the minus strand). VCF-style: chr20-63407244-C-T. GRCh37 (hg19) VCF-style: chr20-62038597-C-T.
Other names: c.2019G>A (NM_172107.2); c.2073G>A, p.Pro691= (NM_001382235.1); c.1935G>A, p.Pro645= (NM_004518.6); c.1965G>A, p.Pro655= (NM_172106.3); c.1926G>A, p.Pro642= (NM_172108.5).
Identifiers: ClinVar variation 1161901 (VCV001161901.37), dbSNP rs769646940, ClinGen allele CA9958170.